The following is an entry in ClinVar:

NM_001201543.2(FAM161A):c.1459C>T (p.Arg487Cys)

Gene: FAM161A (FAM161 centrosomal protein A; minus strand). Cytogenetic location: 2p15.
Variant type: single nucleotide variant.
Coding change: c.1459C>T on transcript NM_001201543.2 (MANE Select); coding-DNA position 1459, C replaced by T.
Protein change: p.Arg487Cys; replaces arginine 487 with cysteine.
Molecular consequence: missense variant. On other transcripts: non-coding transcript variant (1).
Genome position (GRCh38, 1-based): chr2:61,839,545, G>A on the plus strand (C>T on the coding strand, the complement: FAM161A is on the minus strand). VCF-style: chr2-61839545-G-A. GRCh37 (hg19) VCF-style: chr2-62066680-G-A.
Other names: c.1459C>T (NM_001201543.1); c.1459C>T, p.Arg487Cys (NM_032180.3); short protein forms R487C.
Identifiers: ClinVar variation 1019029 (VCV001019029.5), dbSNP rs780565318, ClinGen allele CA1679154.

ClinVar aggregate classification (germline): Uncertain significance. Review status: criteria provided, multiple submitters, no conflicts (2 of 4 stars). 4 submissions from 4 submitters: Uncertain significance (3). 1 of the submissions does not count toward it. Last evaluated 2025-08-01.

Conditions:
Retinitis pigmentosa 28 (RP28). Identifiers: Orphanet 791, MedGen C1419614, MONDO:0011630, OMIM 606068.
Inborn genetic diseases. Identifiers: MedGen C0950123, MeSH D030342.

Allele frequency attached by ClinVar (database versions not stated): gnomAD exomes 0.00001 and 0.00002; ExAC 0.00002; TOPMed 0.00002; gnomAD 0.00004; 1000 Genomes Project 30x 0.00016.
gnomAD v4.1: 34 of 1,614,148 alleles (0.0021%); highest among the groups gnomAD compares: Admixed American, 0.01%; no homozygotes.

Submissions (4):

Ambry Genetics
Classification: Uncertain significance for Inborn genetic diseases. Last evaluated: 2025-08-01. Review status: criteria provided, single submitter. Criteria: Ambry Variant Classification Scheme 2023. Collection method: clinical testing. Allele origin: germline.

Blueprint Genetics
Classification: Uncertain significance. Last evaluated: 2024-05-23. Review status: criteria provided, single submitter. Criteria: ACMG Guidelines, 2015. Collection method: clinical testing. Allele origin: germline.

Labcorp Genetics (formerly Invitae), Labcorp
Classification: Uncertain significance. Last evaluated: 2022-11-01. Review status: criteria provided, single submitter. Criteria: Invitae Variant Classification Sherloc (09022015). Collection method: clinical testing. Allele origin: germline.
Comment: This sequence change replaces arginine, which is basic and polar, with cysteine, which is neutral and slightly polar, at codon 487 of the FAM161A protein (p.Arg487Cys). This variant is present in population databases (rs780565318, gnomAD 0.004%). This variant has not been reported in the literature in individuals affected with FAM161A-related conditions. ClinVar contains an entry for this variant (Variation ID: 1019029). Advanced modeling of protein sequence and biophysical properties (such as structural, functional, and spatial information, amino acid conservation, physicochemical variation, residue mobility, and thermodynamic stability) performed at Invitae indicates that this missense variant is not expected to disrupt FAM161A protein function. In summary, the available evidence is currently insufficient to determine the role of this variant in disease. Therefore, it has been classified as a Variant of Uncertain Significance.

Natera, Inc.
Classification: Uncertain significance for Retinitis pigmentosa type 28. Last evaluated: 2020-02-21. Review status: no assertion criteria provided. Collection method: clinical testing. Allele origin: germline. Not counted in ClinVar's aggregate classification.